The following is an entry in ClinVar:

NM_000531.6(OTC):c.395C>T (p.Ser132Phe)

Gene: OTC (ornithine transcarbamylase; plus strand). Cytogenetic location: Xp11.4.
Variant type: single nucleotide variant.
Coding change: c.395C>T on transcript NM_000531.6 (MANE Select); coding-DNA position 395, C replaced by T.
Protein change: p.Ser132Phe; replaces serine 132 with phenylalanine.
Molecular consequence: missense variant.
Genome position (GRCh38, 1-based): chrX:38,401,283, C>T. VCF-style: chrX-38401283-C-T. GRCh37 (hg19) VCF-style: chrX-38260536-C-T.
Other names: short protein forms S132F.
Identifiers: ClinVar variation 97188 (VCV000097188.2), dbSNP rs72556254, ClinGen allele CA224582.

ClinVar aggregate classification (germline): Pathogenic (0 of 4 stars; one submission).

Submission:

GenMed Metabolism Lab
Classification: Pathogenic. Review status: no assertion criteria provided. Collection method: not provided. Allele origin: unknown.
Comment: p.Ser132Phe, Late
ClinVar note: Converted during submission from pathogenic to Pathogenic.